The following is an entry in ClinVar:

NM_021224.6(ZNF462):c.4588G>T (p.Val1530Leu)

Gene: ZNF462 (zinc finger protein 462; plus strand). Cytogenetic location: 9q31.2.
Variant type: single nucleotide variant.
Coding change: c.4588G>T on transcript NM_021224.6 (MANE Select); coding-DNA position 4588, G replaced by T.
Protein change: p.Val1530Leu; replaces valine 1530 with leucine.
Molecular consequence: missense variant. On other transcripts: intron variant (1).
Genome position (GRCh38, 1-based): chr9:106,928,500, G>T. VCF-style: chr9-106928500-G-T. GRCh37 (hg19) VCF-style: chr9-109690781-G-T.
Other names: c.3252+1336G>T (NM_001347997.2); short protein forms V1530L.
Identifiers: ClinVar variation 1342504 (VCV001342504.1), dbSNP rs762506887, ClinGen allele CA374409202.

ClinVar aggregate classification (germline): Uncertain significance (1 of 4 stars; one submission).

Conditions:
Weiss-Kruszka syndrome. Also called: Metopic ridging-ptosis-facial dysmorphism syndrome. Identifiers: Orphanet 502430, MedGen C5568107, MONDO:0032836, OMIM 618619.

gnomAD v4.1: 3 of 1,614,022 alleles (0.00019%); highest among the groups gnomAD compares: East Asian, 0.0022%; no homozygotes.

Submission:

New York Genome Center
Classification: Uncertain significance for Weiss-Kruszka syndrome. Last evaluated: 2021-04-02. Review status: criteria provided, single submitter. Criteria: NYGC Assertion Criteria 2020. Collection method: clinical testing. Allele origin: de novo. Observed: 1 heterozygote. Study: CSER-NYCKidSeq.
Comment: The de novo missense c.4588G>T (p.Val1530Leu) variant identified in the ZNF462 gene has not been reported in affected individuals in the literature. The variant is absent from gnomAD(v3) database suggesting it is not a common benign variant in the populations represented in that database. The variant is located in one of the 23 C2H2-type zinc finger domains and affects a highly conserved residue. In silico tools provide conflicting predictions about potential pathogenicity of this variant [CADD score = 25, REVEL score = 0.312]. ZNF462 haploinsufficiency is the presumed disease mechanism because all pathogenic variants reported to date are predicted null variants [PMID: 31361404]. The c.4588G>T (p.Val1530Leu) variant is reported as a variant of uncertain significance.